The following is an entry in ClinVar:

ClinVar aggregate classification (germline): Uncertain significance (1 of 4 stars; one submission).

Conditions:
Progressive sclerosing poliodystrophy (MTDPS4A). Also called: Mitochondrial DNA depletion syndrome 4A (Alpers type); ALPERS PROGRESSIVE INFANTILE POLIODYSTROPHY; NEURONAL DEGENERATION OF CHILDHOOD WITH LIVER DISEASE, PROGRESSIVE; Mitochondrial DNA Depletion Syndrome 4A; Alpers-Huttenlocher Syndrome (AHS); Alpers Syndrome. Identifiers: Orphanet 726, MedGen C0205710, MONDO:0008758, OMIM 203700.

gnomAD v4.1: 1 of 1,609,044 alleles (0.000062%); highest among the groups gnomAD compares: Non-Finnish European, 0.000085%; no homozygotes.

Submission:

Labcorp Genetics (formerly Invitae), Labcorp
Classification: Uncertain significance for Progressive sclerosing poliodystrophy. Last evaluated: 2021-10-04. Review status: criteria provided, single submitter. Criteria: Invitae Variant Classification Sherloc (09022015). Collection method: clinical testing. Allele origin: germline.
Comment: In summary, the available evidence is currently insufficient to determine the role of this variant in disease. Therefore, it has been classified as a Variant of Uncertain Significance. Algorithms developed to predict the effect of missense changes on protein structure and function (SIFT, PolyPhen-2, Align-GVGD) all suggest that this variant is likely to be tolerated. This variant has not been reported in the literature in individuals affected with POLG-related conditions. This variant is not present in population databases (ExAC no frequency). This sequence change replaces proline with threonine at codon 578 of the POLG protein (p.Pro578Thr). The proline residue is moderately conserved and there is a small physicochemical difference between proline and threonine.

NM_002693.3(POLG):c.1732C>A (p.Pro578Thr)

Gene: POLG (DNA polymerase gamma, catalytic subunit; minus strand). Cytogenetic location: 15q26.1.
Variant type: single nucleotide variant.
Coding change: c.1732C>A on transcript NM_002693.3 (MANE Select); coding-DNA position 1732, C replaced by A.
Protein change: p.Pro578Thr; replaces proline 578 with threonine.
Molecular consequence: missense variant.
Genome position (GRCh38, 1-based): chr15:89,325,667, G>T on the plus strand (C>A on the coding strand, the complement: POLG is on the minus strand). VCF-style: chr15-89325667-G-T. GRCh37 (hg19) VCF-style: chr15-89868898-G-T.
Other names: c.1732C>A, p.Pro578Thr (NM_001126131.2); short protein forms P578T.
Identifiers: ClinVar variation 1484014 (VCV001484014.6), dbSNP rs775769107, ClinGen allele CA393759474.